The following is an entry in ClinVar:

NM_017882.3(CLN6):c.665+265G>A

Gene: CLN6 (CLN6 transmembrane ER protein; minus strand). Cytogenetic location: 15q23.
Variant type: single nucleotide variant.
Coding change: c.665+265G>A on transcript NM_017882.3 (MANE Select); 265 bases into the intron after coding-DNA position 665, G replaced by A.
Molecular consequence: intron variant.
Genome position (GRCh38, 1-based): chr15:68,209,372, C>T on the plus strand (G>A on the coding strand, the complement: CLN6 is on the minus strand). VCF-style: chr15-68209372-C-T. GRCh37 (hg19) VCF-style: chr15-68501710-C-T.
Identifiers: ClinVar variation 668098 (VCV000668098.1), dbSNP rs11632516, ClinGen allele CA14084829.
Genomic context (GRCh38, chr15:68,209,372, plus strand): 5'-TCGGAGGTGGATTGTACCGGCCCCAGGGCAACACTGGGGTTCTTGAGATGGGGCACAGAG[C>T]GAGAGGGGCTTGAGGATGGAGACAGACTGTGCAACCTCGCCCTCTCCTCCCACCTCCCTG-3'

ClinVar aggregate classification (germline): Benign (1 of 4 stars; one submission).

Allele frequency attached by ClinVar (database versions not stated): 1000 Genomes Project 0.35962; 1000 Genomes Project 30x 0.35978; TOPMed 0.45640; gnomAD 0.46138 and 0.46738.
gnomAD v4.1: 70,134 of 151,914 alleles (46%); highest among the groups gnomAD compares: Non-Finnish European, 56%; 17,199 homozygotes.

Submission:

GeneDx
Classification: Benign. Last evaluated: 2018-06-18. Review status: criteria provided, single submitter. Criteria: GeneDx Variant Classification (06012015). Collection method: clinical testing. Allele origin: germline. Affected: yes.
Comment: This variant is considered likely benign or benign based on one or more of the following criteria: it is a conservative change, it occurs at a poorly conserved position in the protein, it is predicted to be benign by multiple in silico algorithms, and/or has population frequency not consistent with disease.